The following is an entry in ClinVar:

NM_006371.5(CRTAP):c.27G>A (p.Ala9=)

Genes: CRTAP (cartilage associated protein; plus strand), LOC129936436 (ATAC-STARR-seq lymphoblastoid silent region 14183; plus strand). Cytogenetic location: 3p22.3.
Variant type: single nucleotide variant.
Coding change: c.27G>A on transcript NM_006371.5 (MANE Select); coding-DNA position 27, G replaced by A.
Protein change: p.Ala9=; no amino-acid change (alanine 9 retained).
Molecular consequence: synonymous variant.
Genome position (GRCh38, 1-based): chr3:33,114,104, G>A. VCF-style: chr3-33114104-G-A. GRCh37 (hg19) VCF-style: chr3-33155596-G-A.
Other names: c.27G>A (NM_006371.4).
Identifiers: ClinVar variation 1112174 (VCV001112174.9), dbSNP rs748214555, ClinGen allele CA2300172.

ClinVar aggregate classification (germline): Likely benign. Review status: criteria provided, single submitter (1 of 4 stars). 2 submissions from 2 submitters: Likely benign (1). 1 of the submissions does not count toward it. Last evaluated 2025-12-21.

Conditions:
CRTAP-related disorder. Also called: CRTAP-related condition.
Osteogenesis imperfecta type 7 (OI7). Also called: OI type 7; OI type VII; OSTEOGENESIS IMPERFECTA, TYPE IIB; Osteogenesis imperfecta type 2B; OI type 2B; Osteogenesis imperfecta, perinatal lethal autosomal recessive. Identifiers: MedGen C1853162, MONDO:0012536, OMIM 610682.

Allele frequency attached by ClinVar (database versions not stated): gnomAD exomes 0.00001 and 0.00002; gnomAD 0.00002; ExAC 0.00009.
gnomAD v4.1: 17 of 1,477,442 alleles (0.0012%); highest among the groups gnomAD compares: Admixed American, 0.005%; no homozygotes.

Submissions (2):

Labcorp Genetics (formerly Invitae), Labcorp
Classification: Likely benign for Osteogenesis imperfecta type 7. Last evaluated: 2025-12-21. Review status: criteria provided, single submitter. Criteria: Invitae Variant Classification Sherloc (09022015). Collection method: clinical testing. Allele origin: germline.

PreventionGenetics, part of Exact Sciences
Classification: Likely benign for CRTAP-related condition. Last evaluated: 2019-04-01. Review status: no assertion criteria provided. Collection method: clinical testing. Allele origin: germline. Not counted in ClinVar's aggregate classification.
Comment: This variant is classified as likely benign based on ACMG/AMP sequence variant interpretation guidelines (Richards et al. 2015 PMID: 25741868, with internal and published modifications).